The following is an entry in ClinVar:

ClinVar aggregate classification (germline): Uncertain significance (1 of 4 stars; one submission).

Allele frequency attached by ClinVar (database versions not stated): ExAC 0.00002; TOPMed 0.00003; gnomAD 0.00004.
gnomAD v4.1: 55 of 1,614,026 alleles (0.0034%); highest among the groups gnomAD compares: Middle Eastern, 0.016%; no homozygotes.

Submission:

Labcorp Genetics (formerly Invitae), Labcorp
Classification: Uncertain significance. Last evaluated: 2023-12-05. Review status: criteria provided, single submitter. Criteria: Invitae Variant Classification Sherloc (09022015). Collection method: clinical testing. Allele origin: germline.
Comment: This sequence change replaces arginine, which is basic and polar, with glutamine, which is neutral and polar, at codon 623 of the AK7 protein (p.Arg623Gln). This variant is present in population databases (rs773055807, gnomAD 0.1%), and has an allele count higher than expected for a pathogenic variant. This variant has not been reported in the literature in individuals affected with AK7-related conditions. Advanced modeling of protein sequence and biophysical properties (such as structural, functional, and spatial information, amino acid conservation, physicochemical variation, residue mobility, and thermodynamic stability) performed at Invitae indicates that this missense variant is not expected to disrupt AK7 protein function with a negative predictive value of 80%. In summary, the available evidence is currently insufficient to determine the role of this variant in disease. Therefore, it has been classified as a Variant of Uncertain Significance.

NM_152327.5(AK7):c.1868G>A (p.Arg623Gln)

Gene: AK7 (adenylate kinase 7; plus strand). Cytogenetic location: 14q32.2.
Variant type: single nucleotide variant.
Coding change: c.1868G>A on transcript NM_152327.5 (MANE Select); coding-DNA position 1868, G replaced by A.
Protein change: p.Arg623Gln; replaces arginine 623 with glutamine.
Molecular consequence: missense variant.
Genome position (GRCh38, 1-based): chr14:96,483,113, G>A. VCF-style: chr14-96483113-G-A. GRCh37 (hg19) VCF-style: chr14-96949450-G-A.
Other names: c.1799G>A, p.Arg600Gln (NM_001350888.2, NM_001350890.2); c.1790G>A, p.Arg597Gln (NM_001350891.2); c.1670G>A, p.Arg557Gln (NM_001350892.2); short protein forms R557Q, R597Q, R623Q, R600Q.
Identifiers: ClinVar variation 2896412 (VCV002896412.3), dbSNP rs773055807, ClinGen allele CA7337986.